The following is an entry in ClinVar:

NM_000744.7(CHRNA4):c.1432G>T (p.Val478Leu)

Gene: CHRNA4 (cholinergic receptor nicotinic alpha 4 subunit; minus strand). Cytogenetic location: 20q13.33.
Variant type: single nucleotide variant.
Coding change: c.1432G>T on transcript NM_000744.7 (MANE Select); coding-DNA position 1432, G replaced by T.
Protein change: p.Val478Leu; replaces valine 478 with leucine.
Molecular consequence: missense variant. On other transcripts: non-coding transcript variant (1).
Genome position (GRCh38, 1-based): chr20:63,349,979, C>A on the plus strand (G>T on the coding strand, the complement: CHRNA4 is on the minus strand). VCF-style: chr20-63349979-C-A. GRCh37 (hg19) VCF-style: chr20-61981331-C-A.
Other names: c.904G>T, p.Val302Leu (NM_001256573.2); short protein forms V302L, V478L.
Identifiers: ClinVar variation 951004 (VCV000951004.17), dbSNP rs757163324, ClinGen allele CA9957598.

ClinVar aggregate classification (germline): Uncertain significance. Review status: criteria provided, multiple submitters, no conflicts (2 of 4 stars). 3 submissions from 3 submitters: Uncertain significance (3). Last evaluated 2025-04-01.

Conditions:
Familial sleep-related hypermotor epilepsy. Also called: Autosomal Dominant Sleep-Related Hypermotor (Hyperkinetic) Epilepsy. Identifiers: Orphanet 98784, MedGen C3696898, MONDO:0000030.

Allele frequency attached by ClinVar (database versions not stated): gnomAD 0.00001 and 0.00002; gnomAD exomes 0.00001 and 0.00002; TOPMed 0.00001; ExAC 0.00004.

Submissions (3):

CeGaT Center for Human Genetics Tuebingen
Classification: Uncertain significance. Last evaluated: 2025-04-01. Review status: criteria provided, single submitter. Criteria: CeGaT Center For Human Genetics Tuebingen Variant Classification Criteria Version 2. Collection method: clinical testing. Allele origin: germline. Affected: yes. Observed: 1 variant allele.
Comment: CHRNA4: PM2, BP4

Labcorp Genetics (formerly Invitae), Labcorp
Classification: Uncertain significance. Last evaluated: 2025-03-19. Review status: criteria provided, single submitter. Criteria: Invitae Variant Classification Sherloc (09022015). Collection method: clinical testing. Allele origin: germline.
Comment: This sequence change replaces valine, which is neutral and non-polar, with leucine, which is neutral and non-polar, at codon 478 of the CHRNA4 protein (p.Val478Leu). The frequency data for this variant in the population databases is considered unreliable, as metrics indicate poor data quality at this position in the gnomAD database. This variant has not been reported in the literature in individuals affected with CHRNA4-related conditions. ClinVar contains an entry for this variant (Variation ID: 951004). An algorithm developed to predict the effect of missense changes on protein structure and function (PolyPhen-2) suggests that this variant is likely to be tolerated. In summary, the available evidence is currently insufficient to determine the role of this variant in disease. Therefore, it has been classified as a Variant of Uncertain Significance.

Breakthrough Genomics
Classification: Uncertain significance. Review status: criteria provided, single submitter. Criteria: ACMG Guidelines, 2015. Collection method: not provided. Allele origin: germline. Inheritance: Autosomal dominant inheritance. Affected: yes.